The following is an entry in ClinVar:

NM_032119.4(ADGRV1):c.978_985del (p.Gln326fs)

Gene: ADGRV1 (adhesion G protein-coupled receptor V1; plus strand). Cytogenetic location: 5q14.3.
Variant type: Deletion.
Coding change: c.978_985del on transcript NM_032119.4 (MANE Select); coding-DNA positions 978 to 985, 8 bases deleted (GCCAAACA; older notation c.978_985delGCCAAACA).
Protein change: p.Gln326fs; shifts the reading frame from glutamine 326.
Molecular consequence: frameshift variant. On other transcripts: non-coding transcript variant (1).
Genome position (GRCh38, 1-based): chr5:90,627,516-90,627,523, GCCAAACA deleted; deleting any 8 consecutive bases within chr5:90,627,514-90,627,523 gives the same sequence; the c. name uses the placement nearest the transcript's 3' end. VCF-style (leftmost placement, unchanged base first): chr5-90627513-TCAGCCAAA-T. GRCh37 (hg19) VCF-style: chr5-89923330-TCAGCCAAA-T.
Other names: short protein forms Q326fs.
Identifiers: ClinVar variation 4725412 (VCV004725412.1).

ClinVar aggregate classification (germline): Pathogenic (1 of 4 stars; one submission).

Submission:

Labcorp Genetics (formerly Invitae), Labcorp
Classification: Pathogenic. Last evaluated: 2025-08-13. Review status: criteria provided, single submitter. Criteria: Invitae Variant Classification Sherloc (09022015). Collection method: clinical testing. Allele origin: germline.
Comment: This sequence change creates a premature translational stop signal (p.Gln326Hisfs*11) in the ADGRV1 gene. It is expected to result in an absent or disrupted protein product. Loss-of-function variants in ADGRV1 are known to be pathogenic (PMID: 19357117, 22135276, 22147658, 26226137, 30718709, 31047384, 32467589). This variant is not present in population databases (gnomAD no frequency). This variant has not been reported in the literature in individuals affected with ADGRV1-related conditions. For these reasons, this variant has been classified as Pathogenic.

Literature cited by the submitters: PubMed 19357117; PubMed 22135276; PubMed 22147658; PubMed 26226137; PubMed 30718709; PubMed 31047384; PubMed 32467589.